The following is an entry in ClinVar:

NM_000044.6(AR):c.2255G>C (p.Trp752Ser)

Gene: AR (androgen receptor; plus strand). Cytogenetic location: Xq12.
Variant type: single nucleotide variant.
Coding change: c.2255G>C on transcript NM_000044.6 (MANE Select); coding-DNA position 2255, G replaced by C.
Protein change: p.Trp752Ser; replaces tryptophan 752 with serine.
Molecular consequence: missense variant.
Genome position (GRCh38, 1-based): chrX:67,717,559, G>C. VCF-style: chrX-67717559-G-C. GRCh37 (hg19) VCF-style: chrX-66937401-G-C.
Other names: c.659G>C, p.Trp220Ser (NM_001011645.3); short protein forms W220S, W752S.
Identifiers: ClinVar variation 1177442 (VCV001177442.1), dbSNP rs2147530924, ClinGen allele CA413424664.

ClinVar aggregate classification (germline): Likely pathogenic (1 of 4 stars; one submission).

Conditions:
Androgen resistance syndrome (AIS). Also called: Androgen insensitivity, complete; DHTR DEFICIENCY; ANDROGEN RECEPTOR DEFICIENCY; DIHYDROTESTOSTERONE RECEPTOR DEFICIENCY; Androgen insensitivity; TESTICULAR FEMINIZATION SYNDROME. Identifiers: Orphanet 754, Orphanet 99429, MedGen C0039585, MONDO:0019154, OMIM 300068. Disease mechanism: loss of function.

Submission:

Seattle Children's Hospital Molecular Genetics Laboratory, Seattle Children's Hospital
Classification: Likely pathogenic for Androgen resistance syndrome. Last evaluated: 2021-07-06. Review status: criteria provided, single submitter. Criteria: ACMG Guidelines, 2015. Collection method: clinical testing. Allele origin: unknown. Inheritance: Autosomal dominant inheritance. Affected: yes. Observed: 1 variant allele, 1 heterozygote.
Comment: A hemizygous, likely pathogenic variant was identified in exon 5 of the AR gene (NM_000044.3: c.2255G>C, p.Trp752Ser, GRCh37 chrX:g.66937401G>C). This particular variant has not been previously reported, but other missense changes affecting the same residue (p.Trp752Arg, p.Trp752Gly) have been reported as pathogenic variants in individuals with androgen insensitivity syndrome. Missense changes at this residue are not observed in large population studies (Genome Aggregation Database v2.1.1). Â  The tryptophan at position 752 is located within the ligand-binding domain of the androgen receptor (UniProt P10275, amino acids 669 â€“ 900). There is a paucity of benign variation in this region of the protein, consistent with this region being a critical domain. There is concordance amongst in silico predictions that the p.Trp752Ser change is damaging to protein function. Functional data is not available for the p.Trp752Ser change, but in vitro assays performed with the p.Trp752Arg and p.Trp752Gly variants showed loss of function compared to the wildtype AR.

Literature cited by the submitters: PubMed 7626493; NCBI Bookshelf 1429; PubMed 30064134; PubMed 26303084; PubMed 17161333.